The following is an entry in ClinVar:

NM_000059.4(BRCA2):c.9049A>G (p.Lys3017Glu)

Gene: BRCA2 (BRCA2 DNA repair associated; plus strand). Cytogenetic location: 13q13.1.
Variant type: single nucleotide variant.
Coding change: c.9049A>G on transcript NM_000059.4 (MANE Select); coding-DNA position 9049, A replaced by G.
Protein change: p.Lys3017Glu; replaces lysine 3017 with glutamic acid.
Molecular consequence: missense variant.
Genome position (GRCh38, 1-based): chr13:32,379,845, A>G. VCF-style: chr13-32379845-A-G. GRCh37 (hg19) VCF-style: chr13-32953982-A-G.
Other names: short protein forms K3017E.
Identifiers: ClinVar variation 441409 (VCV000441409.27), dbSNP rs1555288473, ClinGen allele CA387757536.
Genomic context (GRCh38, chr13:32,379,845, plus strand): 5'-TATTCTCTGTTAACAGAAGGAAAGAGATACAGAATTTATCATCTTGCAACTTCAAAATCT[A>G]AAAGTAAATCTGAAAGAGCTAACATACAGTTAGCAGCGACAAAAAAAACTCAGTATCAAC-3'
Protein context (NP_000050.3, residues 3007-3027): RIYHLATSKS[Lys3017Glu]SKSERANIQL

ClinVar aggregate classification (germline): Conflicting classifications of pathogenicity. Review status: criteria provided, conflicting classifications (1 of 4 stars). 7 submissions from 7 submitters: Uncertain significance (6); Likely benign (1). Last evaluated 2025-05-16.

Conditions:
Breast-ovarian cancer, familial, susceptibility to, 2 (BROVCA2). Also called: BRCA2 Hereditary Breast and Ovarian Cancer. Identifiers: Orphanet 145, MedGen C2675520, MONDO:0012933, OMIM 612555. Disease mechanism: loss of function.
Familial cancer of breast. Also called: hereditary breast carcinoma; BREAST CANCER, FAMILIAL; Hereditary breast cancer. Identifiers: Orphanet 227535, MedGen C0346153, MONDO:0016419, OMIM 114480. Disease mechanism: loss of function.
Hereditary cancer-predisposing syndrome. Also called: Hereditary Cancer Syndrome; Hereditary neoplastic syndrome; Tumor predisposition; Neoplastic Syndromes, Hereditary. Identifiers: Orphanet 140162, MedGen C0027672, MeSH D009386, MONDO:0015356.
Hereditary breast ovarian cancer syndrome. Also called: Hereditary breast and ovarian cancer syndrome; BRCA1- and BRCA2-Associated Hereditary Breast and Ovarian Cancer; Hereditary breast and ovarian cancer syndrome (HBOC); Hereditary breast and/or ovarian cancer syndrome; Hereditary breast and ovarian cancer; Breast and ovarian cancer. Identifiers: Orphanet 145, MedGen C0677776, MeSH D061325, MONDO:0003582. Disease mechanism: loss of function.

Allele frequency attached by ClinVar (database versions not stated): gnomAD exomes below 0.00001.
gnomAD v4.1: 1 of 1,613,758 alleles (0.000062%); highest among the groups gnomAD compares: South Asian, 0.0011%; no homozygotes.

Submissions (7):

Ambry Genetics
Classification: Likely benign for Hereditary cancer-predisposing syndrome. Last evaluated: 2025-05-16. Review status: criteria provided, single submitter. Criteria: Ambry Variant Classification Scheme 2023. Collection method: clinical testing. Allele origin: germline.

Labcorp Genetics (formerly Invitae), Labcorp
Classification: Uncertain significance for Hereditary breast ovarian cancer syndrome. Last evaluated: 2025-02-05. Review status: criteria provided, single submitter. Criteria: Invitae Variant Classification Sherloc (09022015). Collection method: clinical testing. Allele origin: germline.
Comment: This sequence change replaces lysine, which is basic and polar, with glutamic acid, which is acidic and polar, at codon 3017 of the BRCA2 protein (p.Lys3017Glu). This variant is not present in population databases (gnomAD no frequency). This variant has not been reported in the literature in individuals affected with BRCA2-related conditions. ClinVar contains an entry for this variant (Variation ID: 441409). Invitae Evidence Modeling of protein sequence and biophysical properties (such as structural, functional, and spatial information, amino acid conservation, physicochemical variation, residue mobility, and thermodynamic stability) indicates that this missense variant is not expected to disrupt BRCA2 protein function with a negative predictive value of 95%. In summary, the available evidence is currently insufficient to determine the role of this variant in disease. Therefore, it has been classified as a Variant of Uncertain Significance.

All of Us Research Program, National Institutes of Health
Classification: Uncertain significance for Breast-ovarian cancer, familial, susceptibility to, 2. Last evaluated: 2023-11-30. Review status: criteria provided, single submitter. Criteria: ACMG Guidelines, 2015. Collection method: clinical testing. Allele origin: germline. Inheritance: Autosomal dominant inheritance. Observed: 2 variant alleles, 2 heterozygotes.
Comment: This missense variant replaces lysine with glutamic acid at codon 3017 of the BRCA2 protein. Computational prediction suggests that this variant may not impact protein structure and function (internally defined REVEL score threshold <= 0.5, PMID: 27666373). Splice site prediction tools suggest that this variant may not impact RNA splicing. To our knowledge, functional studies have not been performed for this variant. This variant has not been reported in individuals affected with hereditary cancer in the literature. This variant has not been identified in the general population by the Genome Aggregation Database (gnomAD). The available evidence is insufficient to determine the role of this variant in disease conclusively. Therefore, this variant is classified as a Variant of Uncertain Significance.

This study involves interpretation of variants in research participants for the purpose of population health screening. Participant phenotype was not available at the time of variant classification. Additional details can be found in publication PMID: 35346344, PMCID: PMC8962531

Baylor Genetics
Classification: Uncertain significance for Familial cancer of breast. Last evaluated: 2023-07-29. Review status: criteria provided, single submitter. Criteria: ACMG Guidelines, 2015. Collection method: clinical testing. Allele origin: unknown.

Color Diagnostics, LLC DBA Color Health
Classification: Uncertain significance for Hereditary cancer-predisposing syndrome. Last evaluated: 2023-05-25. Review status: criteria provided, single submitter. Criteria: ACMG Guidelines, 2015. Collection method: clinical testing. Allele origin: germline.
Comment: This missense variant replaces lysine with glutamic acid at codon 3017 of the BRCA2 protein. Computational prediction suggests that this variant may not impact protein structure and function (internally defined REVEL score threshold <= 0.5, PMID: 27666373). To our knowledge, functional studies have not been reported for this variant. This variant has been reported in an individual affected with breast cancer (PMID: 33471991; Leiden Open Variation Database DB-ID BRCA2_008739). This variant has not been identified in the general population by the Genome Aggregation Database (gnomAD). The available evidence is insufficient to determine the role of this variant in disease conclusively. Therefore, this variant is classified as a Variant of Uncertain Significance.

Quest Diagnostics Nichols Institute San Juan Capistrano
Classification: Uncertain significance. Last evaluated: 2023-01-19. Review status: criteria provided, single submitter. Criteria: Quest Diagnostics criteria. Collection method: clinical testing. Allele origin: unknown.
Comment: It also has not been reported in large, multi-ethnic general populations. In the published literature, the variant has been reported in an individual with breast cancer (PMID: 33471991(2021)). Analysis of this variant using bioinformatics tools for the prediction of the effect of amino acid changes on protein structure and function yielded conflicting predictions that this variant is benign or damaging. Based on the available information, we are unable to determine the clinical significance of this variant.

Women's Health and Genetics/Laboratory Corporation of America, LabCorp
Classification: Uncertain significance. Last evaluated: 2021-02-12. Review status: criteria provided, single submitter. Criteria: LabCorp Variant Classification Summary - May 2015. Collection method: clinical testing. Allele origin: germline.
Comment: Variant summary: BRCA2 c.9049A>G (p.Lys3017Glu) results in a conservative amino acid change in the encoded protein sequence. Four of five in-silico tools predict a damaging effect of the variant on protein function. The variant was absent in 250472 control chromosomes. The available data on variant occurrences in the general population are insufficient to allow any conclusion about variant significance. To our knowledge, no occurrence of c.9049A>G in individuals affected with Hereditary Breast And Ovarian Cancer Syndrome and no experimental evidence demonstrating its impact on protein function have been reported. Three other clinical diagnostic laboratories have submitted clinical-significance assessments for this variant to ClinVar after 2014 without evidence for independent evaluation. All laboratories classified the variant as uncertain significance. Based on the evidence outlined above, the variant was classified as uncertain significance.

Literature cited by the submitters: PubMed 33471991 (cited by Color Diagnostics, LLC DBA Color Health).